The following is an entry in ClinVar:

NM_020937.4(FANCM):c.5467G>T (p.Gly1823Cys)

Gene: FANCM (FA complementation group M; plus strand). Cytogenetic location: 14q21.2.
Variant type: single nucleotide variant.
Coding change: c.5467G>T on transcript NM_020937.4 (MANE Select); coding-DNA position 5467, G replaced by T.
Protein change: p.Gly1823Cys; replaces glycine 1823 with cysteine.
Molecular consequence: missense variant.
Genome position (GRCh38, 1-based): chr14:45,196,298, G>T. VCF-style: chr14-45196298-G-T. GRCh37 (hg19) VCF-style: chr14-45665501-G-T.
Other names: c.5389G>T, p.Gly1797Cys (NM_001308133.2); short protein forms G1797C, G1823C.
Identifiers: ClinVar variation 3672234 (VCV003672234.2).

ClinVar aggregate classification (germline): Uncertain significance (1 of 4 stars; one submission).

Conditions:
Fanconi anemia (FA). Also called: Fanconi's anemia. Identifiers: Orphanet 84, MedGen C0015625, MeSH D005199, MONDO:0019391.

gnomAD v4.1: 3 of 1,614,096 alleles (0.00019%); highest among the groups gnomAD compares: South Asian, 0.0022%; no homozygotes.

Submission:

Labcorp Genetics (formerly Invitae), Labcorp
Classification: Uncertain significance for Fanconi anemia. Last evaluated: 2024-09-03. Review status: criteria provided, single submitter. Criteria: Invitae Variant Classification Sherloc (09022015). Collection method: clinical testing. Allele origin: germline.
Comment: This sequence change replaces glycine, which is neutral and non-polar, with cysteine, which is neutral and slightly polar, at codon 1823 of the FANCM protein (p.Gly1823Cys). This variant is present in population databases (no rsID available, gnomAD 0.003%). This variant has not been reported in the literature in individuals affected with FANCM-related conditions. An algorithm developed to predict the effect of missense changes on protein structure and function (PolyPhen-2) suggests that this variant is likely to be tolerated. In summary, the available evidence is currently insufficient to determine the role of this variant in disease. Therefore, it has been classified as a Variant of Uncertain Significance.